The following is an entry in ClinVar:

NM_152309.3(PIK3AP1):c.554G>A (p.Arg185His)

Gene: PIK3AP1 (phosphoinositide-3-kinase adaptor protein 1; minus strand). Cytogenetic location: 10q24.1.
Variant type: single nucleotide variant.
Coding change: c.554G>A on transcript NM_152309.3 (MANE Select); coding-DNA position 554, G replaced by A.
Protein change: p.Arg185His; replaces arginine 185 with histidine.
Molecular consequence: missense variant.
Genome position (GRCh38, 1-based): chr10:96,656,811, C>T on the plus strand (G>A on the coding strand, the complement: PIK3AP1 is on the minus strand). VCF-style: chr10-96656811-C-T. GRCh37 (hg19) VCF-style: chr10-98416568-C-T.
Other names: short protein forms R185H.
Identifiers: ClinVar variation 541751 (VCV000541751.8), dbSNP rs1364487885, ClinGen allele CA377749705.

ClinVar aggregate classification (germline): Uncertain significance (1 of 4 stars; one submission).

Conditions:
Infantile spasms. Also called: Infantile spasm. Identifiers: MedGen C3887898, HP:0012469.

Allele frequency attached by ClinVar (database versions not stated): gnomAD 0.00003; TOPMed 0.00001.
gnomAD v4.1: 9 of 1,613,990 alleles (0.00056%); highest among the groups gnomAD compares: East Asian, 0.018%; no homozygotes.

Submission:

Labcorp Genetics (formerly Invitae), Labcorp
Classification: Uncertain significance for Infantile spasms. Last evaluated: 2024-10-26. Review status: criteria provided, single submitter. Criteria: Invitae Variant Classification Sherloc (09022015). Collection method: clinical testing. Allele origin: germline.
Comment: This sequence change replaces arginine, which is basic and polar, with histidine, which is basic and polar, at codon 185 of the PIK3AP1 protein (p.Arg185His). This variant is present in population databases (no rsID available, gnomAD 0.03%). This variant has not been reported in the literature in individuals affected with PIK3AP1-related conditions. ClinVar contains an entry for this variant (Variation ID: 541751). An algorithm developed to predict the effect of missense changes on protein structure and function (PolyPhen-2) suggests that this variant is likely to be tolerated. In summary, the available evidence is currently insufficient to determine the role of this variant in disease. Therefore, it has been classified as a Variant of Uncertain Significance.